The following is an entry in ClinVar:

ClinVar aggregate classification (germline): Pathogenic (1 of 4 stars; one submission).

Submission:

CeGaT Center for Human Genetics Tuebingen
Classification: Pathogenic. Last evaluated: 2025-11-01. Review status: criteria provided, single submitter. Criteria: CeGaT Center For Human Genetics Tuebingen Variant Classification Criteria Version 2. Collection method: clinical testing. Allele origin: germline. Affected: yes. Observed: 1 variant allele.
Comment: NEK1: PVS1, PM2

NC_000004.12:g.169508332del

Gene: NEK1 (NIMA related kinase 1; minus strand). Cytogenetic location: 4q33.
Variant type: Deletion.
Genome position: GRCh38 VCF-style: chr4-169508330-AC-A. GRCh37 (hg19) VCF-style: chr4-170429481-AC-A.
Identifiers: ClinVar variation 4535267 (VCV004535267.6).
Genomic context (GRCh38, chr4:169,508,330, plus strand): 5'-TTAATCTGTTGGCGCTCATTGAAATTCTGTAGTCTTATTTGCCTCAGTCTTGCCAGATAA[AC>A]CTACAAGGAGGCAAAAACCCCAACATAATAATGTAAAAGCAAAGCTATTGACATTTTTAC-3'